The following is an entry in ClinVar:

NM_001143986.2(TLE6):c.1054G>C (p.Gly352Arg)

Gene: TLE6 (TLE family member 6, subcortical maternal complex member; plus strand). Cytogenetic location: 19p13.3.
Variant type: single nucleotide variant.
Coding change: c.1054G>C on transcript NM_001143986.2 (MANE Select); coding-DNA position 1054, G replaced by C.
Protein change: p.Gly352Arg; replaces glycine 352 with arginine.
Molecular consequence: missense variant.
Genome position (GRCh38, 1-based): chr19:2,989,595, G>C. VCF-style: chr19-2989595-G-C. GRCh37 (hg19) VCF-style: chr19-2989593-G-C.
Other names: c.685G>C, p.Gly229Arg (NM_024760.3); short protein forms G229R, G352R.
Identifiers: ClinVar variation 1691503 (VCV001691503.2), dbSNP rs1376982287, ClinGen allele CA403286290.
Genomic context (GRCh38, chr19:2,989,595, plus strand): 5'-ACCCCTGGGGCCTTCCTGCGCACCTGCCTGCTGTCCTCAAACAGCAGGAGCCTGCTCACC[G>C]GTGGCTACAACCTGGCCAGCGTGAGCGTGTGGGACCTGGCGGCGCCCTCCCTGCATGTGA-3'
Protein context (NP_001137458.1, residues 342-362): LSSNSRSLLT[Gly352Arg]GYNLASVSVW

ClinVar aggregate classification (germline): Pathogenic (1 of 4 stars; one submission).

Conditions:
Preimplantation embryonic lethality 1 (OZEMA15). Also called: OOCYTE/ZYGOTE/EMBRYO MATURATION ARREST 15. Identifiers: MedGen C4225197, OMIM 616814, MONDO:0014783.

Submission:

Department of Medical Genetics, School of Medicine, Tehran University of Medical Sciences
Classification: Pathogenic for Preimplantation embryonic lethality 1. Last evaluated: 2022-05-02. Review status: criteria provided, single submitter. Criteria: ACMG Guidelines, 2015. Collection method: clinical testing. Allele origin: germline. Inheritance: Autosomal recessive inheritance. Affected: yes.
Comment: Our result suggests oocyte donation as the best ART method for patients with biallelic TLE6 variants right now.

Literature cited by the submitters: PubMed 36271123.